The following is an entry in ClinVar:

NM_032737.4(LMNB2):c.707G>A (p.Arg236Gln)

Gene: LMNB2 (lamin B2; minus strand). Cytogenetic location: 19p13.3.
Variant type: single nucleotide variant.
Coding change: c.707G>A on transcript NM_032737.4 (MANE Select); coding-DNA position 707, G replaced by A.
Protein change: p.Arg236Gln; replaces arginine 236 with glutamine.
Molecular consequence: missense variant.
Genome position (GRCh38, 1-based): chr19:2,435,149, C>T on the plus strand (G>A on the coding strand, the complement: LMNB2 is on the minus strand). VCF-style: chr19-2435149-C-T. GRCh37 (hg19) VCF-style: chr19-2435147-C-T.
Other names: short protein forms R236Q.
Identifiers: ClinVar variation 2166750 (VCV002166750.3), dbSNP rs770985876, ClinGen allele CA9067786.

ClinVar aggregate classification (germline): Uncertain significance (1 of 4 stars; one submission).

Conditions:
Lipodystrophy, partial, acquired, susceptibility to (APLD). Also called: APLD, SUSCEPTIBILITY TO. Identifiers: MedGen C3887501, MONDO:0100476, OMIM 608709.
Progressive myoclonic epilepsy type 9. Identifiers: Orphanet 457265, MedGen C4225289, MONDO:0014685, OMIM 616540.

Allele frequency attached by ClinVar (database versions not stated): gnomAD 0.00001; TOPMed 0.00002; ExAC 0.00004.
gnomAD v4.1: 25 of 1,603,794 alleles (0.0016%); highest among the groups gnomAD compares: Non-Finnish European, 0.0017%; no homozygotes.

Submission:

Labcorp Genetics (formerly Invitae), Labcorp
Classification: Uncertain significance for Progressive myoclonic epilepsy type 9; Lipodystrophy, partial, acquired, susceptibility to. Last evaluated: 2024-05-15. Review status: criteria provided, single submitter. Criteria: Invitae Variant Classification Sherloc (09022015). Collection method: clinical testing. Allele origin: germline.
Comment: This sequence change replaces arginine, which is basic and polar, with glutamine, which is neutral and polar, at codon 236 of the LMNB2 protein (p.Arg236Gln). This variant is present in population databases (rs770985876, gnomAD 0.005%). This missense change has been observed in individual(s) with clinical features of dyslipidemia (PMID: 32041611). ClinVar contains an entry for this variant (Variation ID: 2166750). Advanced modeling of protein sequence and biophysical properties (such as structural, functional, and spatial information, amino acid conservation, physicochemical variation, residue mobility, and thermodynamic stability) performed at Invitae indicates that this missense variant is not expected to disrupt LMNB2 protein function with a negative predictive value of 80%. In summary, the available evidence is currently insufficient to determine the role of this variant in disease. Therefore, it has been classified as a Variant of Uncertain Significance.

Literature cited by the submitters: PubMed 32041611.